The following is an entry in ClinVar:

NM_004700.4(KCNQ4):c.946-12C>G

Gene: KCNQ4 (potassium voltage-gated channel subfamily Q member 4; plus strand). Cytogenetic location: 1p34.2.
Variant type: single nucleotide variant.
Coding change: c.946-12C>G on transcript NM_004700.4 (MANE Select); 12 bases into the intron before coding-DNA position 946, C replaced by G.
Molecular consequence: intron variant.
Genome position (GRCh38, 1-based): chr1:40,820,153, C>G. VCF-style: chr1-40820153-C-G. GRCh37 (hg19) VCF-style: chr1-41285825-C-G.
Other names: c.946-12C>G (NM_172163.3).
Identifiers: ClinVar variation 505423 (VCV000505423.17), dbSNP rs146802754, ClinGen allele CA794705.

ClinVar aggregate classification (germline): Benign. Review status: criteria provided, multiple submitters, no conflicts (2 of 4 stars). 4 submissions from 4 submitters: Benign (4). Last evaluated 2026-01-06.

Conditions:
Autosomal dominant nonsyndromic hearing loss 2A. Also called: DFNA2 Nonsyndromic Hearing Loss; Deafness, autosomal dominant 2A; Autosomal dominant nonsyndromic deafness 2A. Identifiers: Orphanet 90635, MedGen C2677637, MONDO:0010817, OMIM 600101.

Allele frequency attached by ClinVar (database versions not stated): gnomAD 0.00041 and 0.00057; TOPMed 0.00052; gnomAD exomes 0.00149; ExAC 0.00164; 1000 Genomes Project 30x 0.00375; 1000 Genomes Project 0.00399.
gnomAD v4.1: 540 of 1,601,478 alleles (0.034%); highest among the groups gnomAD compares: East Asian, 1.1%; 7 homozygotes.

Submissions (6):

Labcorp Genetics (formerly Invitae), Labcorp
Classification: Benign. Last evaluated: 2026-01-06. Review status: criteria provided, single submitter. Criteria: Invitae Variant Classification Sherloc (09022015). Collection method: clinical testing. Allele origin: germline.

GeneDx
Classification: Benign. Last evaluated: 2023-11-06. Review status: criteria provided, single submitter. Criteria: GeneDx Variant Classification Process June 2021. Collection method: clinical testing. Allele origin: germline. Affected: yes.
Comment: See Variant Classification Assertion Criteria.

Genome-Nilou Lab
Classification: Benign for Autosomal dominant nonsyndromic hearing loss 2A. Last evaluated: 2023-04-11. Review status: criteria provided, single submitter. Criteria: ACMG Guidelines, 2015. Collection method: clinical testing. Allele origin: germline. Affected: no.

Laboratory for Molecular Medicine, Mass General Brigham Personalized Medicine
Classification: Benign. Last evaluated: 2016-11-01. Review status: criteria provided, single submitter. Criteria: LMM Criteria. Collection method: clinical testing. Allele origin: germline. Observed: 2 variant alleles.
Comment: c.946-12C>G in intron 6 of KCNQ4: This variant is not expected to have clinical significance because it has been identified in 2.5% (112/4416) of East Asian chr omosomes by the Exome Aggregation Consortium (ExAC, rg; dbSNP rs146802754).

Dr. Peter K. Rogan Lab, Western University
No classification provided (evidence only). Condition: Cervical cancer. Review status: no classification provided. Collection method: in vitro. Allele origin: not applicable. Functional consequence: retained intron. Not counted in ClinVar's aggregate classification.

Dr. Peter K. Rogan Lab, Western University
No classification provided (evidence only). Condition: Sarcoma. Review status: no classification provided. Collection method: in vitro. Allele origin: not applicable. Functional consequence: retained intron. Not counted in ClinVar's aggregate classification.